The following is an entry in ClinVar:

ClinVar aggregate classification (germline): Uncertain significance (1 of 4 stars; one submission).

Allele frequency attached by ClinVar (database versions not stated): TOPMed below 0.00001.

Submission:

GeneDx
Classification: Uncertain significance. Last evaluated: 2022-07-15. Review status: criteria provided, single submitter. Criteria: GeneDx Variant Classification Process June 2021. Collection method: clinical testing. Allele origin: germline. Affected: yes.
Comment: Not observed at significant frequency in large population cohorts (gnomAD); In silico analysis supports that this missense variant has a deleterious effect on protein structure/function; Has not been previously published as pathogenic or benign to our knowledge

NM_014712.3(SETD1A):c.5054A>G (p.Lys1685Arg)

Gene: SETD1A (SET domain containing 1A, histone lysine methyltransferase; plus strand). Cytogenetic location: 16p11.2.
Variant type: single nucleotide variant.
Coding change: c.5054A>G on transcript NM_014712.3 (MANE Select); coding-DNA position 5054, A replaced by G.
Protein change: p.Lys1685Arg; replaces lysine 1685 with arginine.
Molecular consequence: missense variant.
Genome position (GRCh38, 1-based): chr16:30,983,953, A>G. VCF-style: chr16-30983953-A-G. GRCh37 (hg19) VCF-style: chr16-30995274-A-G.
Other names: short protein forms K1685R.
Identifiers: ClinVar variation 1878694 (VCV001878694.1), dbSNP rs1187548540, ClinGen allele CA395637039.